The following is an entry in ClinVar:

NM_001715.3(BLK):c.72C>T (p.Ser24=)

Gene: BLK (BLK proto-oncogene, Src family tyrosine kinase). Cytogenetic location: 8p23.1.
Variant type: single nucleotide variant.
Coding change: c.72C>T on transcript NM_001715.3 (MANE Select); coding-DNA position 72, C replaced by T.
Protein change: p.Ser24=; no amino-acid change (serine 24 retained).
Molecular consequence: synonymous variant. On other transcripts: intron variant (1).
Genome position (GRCh38, 1-based): chr8:11,543,296, C>T. VCF-style: chr8-11543296-C-T. GRCh37 (hg19) VCF-style: chr8-11400805-C-T.
Other names: c.-90-2756C>T (NM_001330465.2).
Identifiers: ClinVar variation 3052293 (VCV003052293.3), dbSNP rs138428717, ClinGen allele CA4629649.

ClinVar aggregate classification (germline): Likely benign. Review status: criteria provided, single submitter (1 of 4 stars). 2 submissions from 2 submitters: Likely benign (1). 1 of the submissions does not count toward it. Last evaluated 2025-07-13.

Conditions:
BLK-related disorder. Also called: BLK-related condition.

gnomAD v4.1: 218 of 1,613,634 alleles (0.014%); highest among the groups gnomAD compares: Non-Finnish European, 0.018%; no homozygotes.

Submissions (2):

Labcorp Genetics (formerly Invitae), Labcorp
Classification: Likely benign. Last evaluated: 2025-07-13. Review status: criteria provided, single submitter. Criteria: Invitae Variant Classification Sherloc (09022015). Collection method: clinical testing. Allele origin: germline.

PreventionGenetics, part of Exact Sciences
Classification: Likely benign for BLK-related condition. Last evaluated: 2020-01-14. Review status: no assertion criteria provided. Collection method: clinical testing. Allele origin: germline. Not counted in ClinVar's aggregate classification.
Comment: This variant is classified as likely benign based on ACMG/AMP sequence variant interpretation guidelines (Richards et al. 2015 PMID: 25741868, with internal and published modifications).